The following is an entry in ClinVar:

NM_001355436.2(SPTB):c.5178+5G>C

Gene: SPTB (spectrin beta, erythrocytic; minus strand). Cytogenetic location: 14q23.3.
Variant type: single nucleotide variant.
Coding change: c.5178+5G>C on transcript NM_001355436.2 (MANE Select); 5 bases into the intron after coding-DNA position 5178, G replaced by C.
Molecular consequence: intron variant.
Genome position (GRCh38, 1-based): chr14:64,773,215, C>G on the plus strand (G>C on the coding strand, the complement: SPTB is on the minus strand). VCF-style: chr14-64773215-C-G. GRCh37 (hg19) VCF-style: chr14-65239933-C-G.
Other names: p.?; c.5178+5G>C (NM_001024858.4, NM_001355437.2).
Identifiers: ClinVar variation 4080290 (VCV004080290.2).

ClinVar aggregate classification (germline): Uncertain significance. Review status: criteria provided, multiple submitters, no conflicts (2 of 4 stars). 2 submissions from 2 submitters: Uncertain significance (2). Last evaluated 2025-07-29.

Submissions (2):

Mayo Clinic Laboratories, Mayo Clinic
Classification: Uncertain significance. Last evaluated: 2025-07-29. Review status: criteria provided, single submitter. Criteria: ACMG Guidelines, 2015. Collection method: clinical testing. Allele origin: germline. Observed: 1 variant allele.
Comment: PP3, PM2_supporting

Revvity Omics, Revvity
Classification: Uncertain significance. Last evaluated: 2022-03-18. Review status: criteria provided, single submitter. Criteria: ACMG Guidelines, 2015. Collection method: clinical testing. Allele origin: germline.